The following is an entry in ClinVar:

ClinVar aggregate classification (germline): Uncertain significance. Review status: criteria provided, multiple submitters, no conflicts (2 of 4 stars). 2 submissions from 2 submitters: Uncertain significance (2). Last evaluated 2025-10-26.

Conditions:
Adams-Oliver syndrome 5 (AOS5). Identifiers: Orphanet 974, MedGen C4014970, MONDO:0014459, OMIM 616028.
Familial thoracic aortic aneurysm and aortic dissection (TAAD). Also called: Thoracic aortic aneurysms and dissections. Identifiers: Orphanet 91387, MedGen C4707243, MONDO:0019625.

Submissions (2):

Labcorp Genetics (formerly Invitae), Labcorp
Classification: Uncertain significance for Adams-Oliver syndrome 5. Last evaluated: 2025-10-26. Review status: criteria provided, single submitter. Criteria: Invitae Variant Classification Sherloc (09022015). Collection method: clinical testing. Allele origin: germline.
Comment: This sequence change replaces glutamine, which is neutral and polar, with lysine, which is basic and polar, at codon 1846 of the NOTCH1 protein (p.Gln1846Lys). Information on the frequency of this variant in the gnomAD database is not available, as this variant may be reported differently in the database. This variant has not been reported in the literature in individuals affected with NOTCH1-related conditions. ClinVar contains an entry for this variant (Variation ID: 241151). Experimental studies and prediction algorithms are not available or were not evaluated, and the functional significance of this variant is currently unknown. In summary, the available evidence is currently insufficient to determine the role of this variant in disease. Therefore, it has been classified as a Variant of Uncertain Significance.

Ambry Genetics
Classification: Uncertain significance for Familial thoracic aortic aneurysm and aortic dissection. Last evaluated: 2024-09-06. Review status: criteria provided, single submitter. Criteria: Ambry Variant Classification Scheme 2023. Collection method: clinical testing. Allele origin: germline.
Comment: The c.5535_5536delGCinsAA variant (also known as p.Q1846K), located in coding exon 30 of the NOTCH1 gene, results from an in-frame deletion of GC and insertion of AA at nucleotide positions 5535 to 5536. This results in the substitution of the glutamine residue for a lysine residue at codon 1846, an amino acid with similar properties. This amino acid position is highly conserved in available vertebrate species. In addition, the in silico prediction for this alteration is inconclusive (Choi Y et al. PLoS ONE. 2012; 7(10):e46688). Based on the available evidence, the clinical significance of this variant remains unclear.

NM_017617.5(NOTCH1):c.5535_5536delinsAA (p.Gln1846Lys)

Gene: NOTCH1 (notch receptor 1; minus strand). Cytogenetic location: 9q34.3.
Variant type: Indel.
Coding change: c.5535_5536delinsAA on transcript NM_017617.5 (MANE Select); coding-DNA positions 5535 to 5536, GC replaced by AA.
Protein change: p.Gln1846Lys; replaces glutamine 1846 with lysine.
Molecular consequence: missense variant.
Genome position (GRCh38, 1-based): chr9:136,501,850-136,501,851, GC replaced by TT on the plus strand (GC replaced by AA on the coding strand, the reverse complement: NOTCH1 is on the minus strand). VCF-style: chr9-136501850-GC-TT. GRCh37 (hg19) VCF-style: chr9-139396302-GC-TT.
Other names: c.5535_5536delinsAA, p.Gln1846Lys (LRG_1122t1); short protein forms Q1846K.
Identifiers: ClinVar variation 241151 (VCV000241151.7), dbSNP rs878855027, ClinGen allele CA10582642.
Genomic context (GRCh38, chr9:136,501,850, plus strand): 5'-CACCCTGGGGCGGTGTGGGGGCCATGGCAGACATGCGCAGGTCAGCGGCATCCAGGTGCT[GC>TT]TGAGTCCACTGCCGGTGGTCTGTCTGGTCGTCCAGGTCAGGCAGAACCACGGGCTCCTCG-3'
Protein context (NP_060087.3, residues 1836-1856): DQTDHRQWTQ[Gln1846Lys]HLDAADLRMS